The following is an entry in ClinVar:

NM_004360.5(CDH1):c.2560_2563del (p.Asp854fs)

Gene: CDH1 (cadherin 1; plus strand). Cytogenetic location: 16q22.1.
Variant type: Deletion.
Coding change: c.2560_2563del on transcript NM_004360.5 (MANE Select); coding-DNA positions 2560 to 2563, 4 bases deleted (GACA; older notation c.2560_2563delGACA).
Protein change: p.Asp854fs; shifts the reading frame from aspartic acid 854.
Molecular consequence: frameshift variant.
Genome position (GRCh38, 1-based): chr16:68,833,410-68,833,413, GACA deleted; deleting any 4 consecutive bases within chr16:68,833,408-68,833,413 gives the same sequence; the c. name uses the placement nearest the transcript's 3' end. VCF-style (leftmost placement, unchanged base first): chr16-68833407-TCAGA-T. GRCh37 (hg19) VCF-style: chr16-68867310-TCAGA-T.
Other names: c.2377_2380del, p.Asp793fs (NM_001317184.2); c.1012_1015del, p.Asp338fs (NM_001317185.2); c.595_598del, p.Asp199fs (NM_001317186.2); short protein forms D338fs, D854fs, D793fs, D199fs.
Identifiers: ClinVar variation 1793103 (VCV001793103.2), dbSNP rs2543965314, ClinGen allele CA2580091956.

ClinVar aggregate classification (germline): Uncertain significance (1 of 4 stars; one submission).

Conditions:
Hereditary cancer-predisposing syndrome. Also called: Tumor predisposition; Hereditary Cancer Syndrome; Neoplastic Syndromes, Hereditary; Hereditary neoplastic syndrome. Identifiers: Orphanet 140162, MedGen C0027672, MeSH D009386, MONDO:0015356.

Submission:

Ambry Genetics
Classification: Uncertain significance for Hereditary cancer-predisposing syndrome. Last evaluated: 2020-03-26. Review status: criteria provided, single submitter. Criteria: Ambry Variant Classification Scheme 2023. Collection method: clinical testing. Allele origin: germline.
Comment: The c.2560_2563delGACA variant, located in coding exon 16 of the CDH1 gene, results from a deletion of 4 nucleotides at positions 2560 to 2563 causing a translational frameshift with a predicted alternate stop codon (p.D854Kfs*8). Frameshifts are typically deleterious in nature, however, this frameshift occurs at the 3' terminus of CDH1, is not expected to trigger nonsense-mediated mRNA decay, and impacts only the last 30 amino acids of the protein. The exact functional impact of these altered amino acids is unknown at this time. Since supporting evidence is limited at this time, the clinical significance of this alteration remains unclear.